The following is an entry in ClinVar:

ClinVar aggregate classification (germline): Uncertain significance. Review status: criteria provided, multiple submitters, no conflicts (2 of 4 stars). 2 submissions from 2 submitters: Uncertain significance (2). Last evaluated 2022-07-30.

Conditions:
Inborn genetic diseases. Identifiers: MedGen C0950123, MeSH D030342.

Allele frequency attached by ClinVar (database versions not stated): gnomAD exomes 0.00001 and 0.00002; ExAC 0.00002.
gnomAD v4.1: 4 of 1,613,348 alleles (0.00025%); highest among the groups gnomAD compares: Admixed American, 0.0067%; no homozygotes.

Submissions (2):

Labcorp Genetics (formerly Invitae), Labcorp
Classification: Uncertain significance. Last evaluated: 2022-07-30. Review status: criteria provided, single submitter. Criteria: Invitae Variant Classification Sherloc (09022015). Collection method: clinical testing. Allele origin: germline.
Comment: This sequence change replaces serine, which is neutral and polar, with isoleucine, which is neutral and non-polar, at codon 640 of the LAMC3 protein (p.Ser640Ile). This variant is present in population databases (rs773662739, gnomAD 0.01%). This variant has not been reported in the literature in individuals affected with LAMC3-related conditions. ClinVar contains an entry for this variant (Variation ID: 1417862). Algorithms developed to predict the effect of missense changes on protein structure and function are either unavailable or do not agree on the potential impact of this missense change (SIFT: "Deleterious"; PolyPhen-2: "Benign"; Align-GVGD: "Class C0"). In summary, the available evidence is currently insufficient to determine the role of this variant in disease. Therefore, it has been classified as a Variant of Uncertain Significance.

Ambry Genetics
Classification: Uncertain significance for Inborn genetic diseases. Last evaluated: 2022-01-31. Review status: criteria provided, single submitter. Criteria: Ambry Variant Classification Scheme 2023. Collection method: clinical testing. Allele origin: germline.

NM_006059.4(LAMC3):c.1919G>T (p.Ser640Ile)

Gene: LAMC3 (laminin subunit gamma 3; plus strand). Cytogenetic location: 9q34.12.
Variant type: single nucleotide variant.
Coding change: c.1919G>T on transcript NM_006059.4 (MANE Select); coding-DNA position 1919, G replaced by T.
Protein change: p.Ser640Ile; replaces serine 640 with isoleucine.
Molecular consequence: missense variant.
Genome position (GRCh38, 1-based): chr9:131,052,945, G>T. VCF-style: chr9-131052945-G-T. GRCh37 (hg19) VCF-style: chr9-133928332-G-T.
Other names: c.1919G>T (NM_006059.3); short protein forms S640I.
Identifiers: ClinVar variation 1417862 (VCV001417862.6), dbSNP rs773662739, ClinGen allele CA5287266.